The following is an entry in ClinVar:

NM_030761.5(WNT4):c.561C>A (p.Asn187Lys)

Gene: WNT4 (Wnt family member 4; minus strand). Cytogenetic location: 1p36.12.
Variant type: single nucleotide variant.
Coding change: c.561C>A on transcript NM_030761.5 (MANE Select); coding-DNA position 561, C replaced by A.
Protein change: p.Asn187Lys; replaces asparagine 187 with lysine.
Molecular consequence: missense variant.
Genome position (GRCh38, 1-based): chr1:22,121,238, G>T on the plus strand (C>A on the coding strand, the complement: WNT4 is on the minus strand). VCF-style: chr1-22121238-G-T. GRCh37 (hg19) VCF-style: chr1-22447731-G-T.
Other names: short protein forms N187K.
Identifiers: ClinVar variation 1462392 (VCV001462392.6), dbSNP rs2124099933, ClinGen allele CA338917532.

ClinVar aggregate classification (germline): Uncertain significance (1 of 4 stars; one submission).

Allele frequency attached by ClinVar (database versions not stated): gnomAD exomes below 0.00001.
gnomAD v4.1: 1 of 1,613,994 alleles (0.000062%); highest among the groups gnomAD compares: Non-Finnish European, 0.000085%; no homozygotes.

Submission:

Labcorp Genetics (formerly Invitae), Labcorp
Classification: Uncertain significance. Last evaluated: 2024-01-24. Review status: criteria provided, single submitter. Criteria: Invitae Variant Classification Sherloc (09022015). Collection method: clinical testing. Allele origin: germline.
Comment: This sequence change replaces asparagine, which is neutral and polar, with lysine, which is basic and polar, at codon 187 of the WNT4 protein (p.Asn187Lys). This variant is not present in population databases (gnomAD no frequency). This variant has not been reported in the literature in individuals affected with WNT4-related conditions. ClinVar contains an entry for this variant (Variation ID: 1462392). Advanced modeling of protein sequence and biophysical properties (such as structural, functional, and spatial information, amino acid conservation, physicochemical variation, residue mobility, and thermodynamic stability) performed at Invitae indicates that this missense variant is expected to disrupt WNT4 protein function with a positive predictive value of 80%. In summary, the available evidence is currently insufficient to determine the role of this variant in disease. Therefore, it has been classified as a Variant of Uncertain Significance.